The following is an entry in ClinVar:

NM_152641.4(ARID2):c.2359A>C (p.Thr787Pro)

Gene: ARID2 (AT-rich interaction domain 2; plus strand). Cytogenetic location: 12q12.
Variant type: single nucleotide variant.
Coding change: c.2359A>C on transcript NM_152641.4 (MANE Select); coding-DNA position 2359, A replaced by C.
Protein change: p.Thr787Pro; replaces threonine 787 with proline.
Molecular consequence: missense variant.
Genome position (GRCh38, 1-based): chr12:45,850,482, A>C. VCF-style: chr12-45850482-A-C. GRCh37 (hg19) VCF-style: chr12-46244265-A-C.
Other names: c.2359A>C, p.Thr787Pro (NM_001347839.2); short protein forms T787P.
Identifiers: ClinVar variation 3253482 (VCV003253482.1), dbSNP rs2138162380.

ClinVar aggregate classification (germline): Uncertain significance (1 of 4 stars; one submission).

Allele frequency attached by ClinVar (database versions not stated): gnomAD exomes below 0.00001.
gnomAD v4.1: 1 of 1,613,884 alleles (0.000062%); highest among the groups gnomAD compares: Non-Finnish European, 0.000085%; no homozygotes.

Submission:

GeneDx
Classification: Uncertain significance. Last evaluated: 2023-10-06. Review status: criteria provided, single submitter. Criteria: GeneDx Variant Classification Process June 2021. Collection method: clinical testing. Allele origin: germline. Affected: yes.
Comment: Not observed at significant frequency in large population cohorts (gnomAD); In silico analysis supports that this missense variant does not alter protein structure/function; Has not been previously published as pathogenic or benign to our knowledge